The following is an entry in ClinVar:

ClinVar aggregate classification (germline): Uncertain significance (1 of 4 stars; one submission).

Allele frequency attached by ClinVar (database versions not stated): gnomAD exomes below 0.00001.
gnomAD v4.1: 1 of 1,613,788 alleles (0.000062%); highest among the groups gnomAD compares: Non-Finnish European, 0.000085%; no homozygotes.

Submission:

Labcorp Genetics (formerly Invitae), Labcorp
Classification: Uncertain significance. Last evaluated: 2022-06-07. Review status: criteria provided, single submitter. Criteria: Invitae Variant Classification Sherloc (09022015). Collection method: clinical testing. Allele origin: germline.
Comment: This sequence change replaces phenylalanine, which is neutral and non-polar, with leucine, which is neutral and non-polar, at codon 196 of the TUBGCP6 protein (p.Phe196Leu). This variant is not present in population databases (gnomAD no frequency). This variant has not been reported in the literature in individuals affected with TUBGCP6-related conditions. Algorithms developed to predict the effect of missense changes on protein structure and function (SIFT, PolyPhen-2, Align-GVGD) all suggest that this variant is likely to be tolerated. In summary, the available evidence is currently insufficient to determine the role of this variant in disease. Therefore, it has been classified as a Variant of Uncertain Significance.

NM_020461.4(TUBGCP6):c.586T>C (p.Phe196Leu)

Gene: TUBGCP6 (tubulin gamma complex component 6; minus strand). Cytogenetic location: 22q13.33.
Variant type: single nucleotide variant.
Coding change: c.586T>C on transcript NM_020461.4 (MANE Select); coding-DNA position 586, T replaced by C.
Protein change: p.Phe196Leu; replaces phenylalanine 196 with leucine.
Molecular consequence: missense variant.
Genome position (GRCh38, 1-based): chr22:50,243,874, A>G on the plus strand (T>C on the coding strand, the complement: TUBGCP6 is on the minus strand). VCF-style: chr22-50243874-A-G. GRCh37 (hg19) VCF-style: chr22-50682303-A-G.
Other names: short protein forms F196L.
Identifiers: ClinVar variation 2003114 (VCV002003114.4), dbSNP rs2519211571, ClinGen allele CA412114861.